The following is an entry in ClinVar:

ClinVar aggregate classification (germline): Uncertain significance (1 of 4 stars; one submission).

Submission:

Labcorp Genetics (formerly Invitae), Labcorp
Classification: Uncertain significance. Last evaluated: 2025-12-26. Review status: criteria provided, single submitter. Criteria: Invitae Variant Classification Sherloc (09022015). Collection method: clinical testing. Allele origin: germline.
Comment: This sequence change replaces asparagine, which is neutral and polar, with serine, which is neutral and polar, at codon 1899 of the IGSF10 protein (p.Asn1899Ser). This variant is not present in population databases (gnomAD no frequency). This variant has not been reported in the literature in individuals affected with IGSF10-related conditions. ClinVar contains an entry for this variant (Variation ID: 1384213). An algorithm developed to predict the effect of missense changes on protein structure and function (PolyPhen-2) suggests that this variant is likely to be disruptive. In summary, the available evidence is currently insufficient to determine the role of this variant in disease. Therefore, it has been classified as a Variant of Uncertain Significance.

NM_178822.5(IGSF10):c.5696A>G (p.Asn1899Ser)

Gene: IGSF10 (immunoglobulin superfamily member 10; minus strand). Cytogenetic location: 3q25.1.
Variant type: single nucleotide variant.
Coding change: c.5696A>G on transcript NM_178822.5 (MANE Select); coding-DNA position 5696, A replaced by G.
Protein change: p.Asn1899Ser; replaces asparagine 1899 with serine.
Molecular consequence: missense variant.
Genome position (GRCh38, 1-based): chr3:151,443,251, T>C on the plus strand (A>G on the coding strand, the complement: IGSF10 is on the minus strand). VCF-style: chr3-151443251-T-C. GRCh37 (hg19) VCF-style: chr3-151161039-T-C.
Other names: c.5696A>G, p.Asn1899Ser (NM_001385060.1, NM_001385061.1, NM_001385062.1 and 1 more transcripts); short protein forms N1899S.
Identifiers: ClinVar variation 1384213 (VCV001384213.6), dbSNP rs762548432, ClinGen allele CA354993002.